The following is an entry in ClinVar:

ClinVar aggregate classification (germline): Pathogenic (1 of 4 stars; one submission).

Submission:

Labcorp Genetics (formerly Invitae), Labcorp
Classification: Pathogenic. Last evaluated: 2023-08-02. Review status: criteria provided, single submitter. Criteria: Invitae Variant Classification Sherloc (09022015). Collection method: clinical testing. Allele origin: germline.
Comment: For these reasons, this variant has been classified as Pathogenic. This variant has not been reported in the literature in individuals affected with CAD-related conditions. This variant is not present in population databases (gnomAD no frequency). This sequence change creates a premature translational stop signal (p.Val722Aspfs*8) in the CAD gene. It is expected to result in an absent or disrupted protein product. Loss-of-function variants in CAD are known to be pathogenic (PMID: 28007989, 32117025, 32820246, 33497533).

Literature cited by the submitters: PubMed 28007989; PubMed 32117025; PubMed 32820246; PubMed 33497533.

NM_004341.5(CAD):c.2165_2166del (p.Val722fs)

Gene: CAD (carbamoyl-phosphate synthetase 2, aspartate transcarbamylase, and dihydroorotase; plus strand). Cytogenetic location: 2p23.3.
Variant type: Microsatellite.
Coding change: c.2165_2166del on transcript NM_004341.5 (MANE Select); coding-DNA positions 2165 to 2166, 2 bases deleted (TG; older notation c.2165_2166delTG).
Protein change: p.Val722fs; shifts the reading frame from valine 722.
Molecular consequence: frameshift variant.
Genome position (GRCh38, 1-based): chr2:27,226,840-27,226,841, TG deleted; deleting any 2 consecutive bases within chr2:27,226,838-27,226,841 gives the same sequence; the c. name uses the placement nearest the transcript's 3' end. VCF-style (leftmost placement, unchanged base first): chr2-27226837-CTG-C. GRCh37 (hg19) VCF-style: chr2-27449705-CTG-C.
Other names: c.1976_1977del, p.Val659fs (NM_001306079.2); short protein forms V722fs, V659fs.
Identifiers: ClinVar variation 3009230 (VCV003009230.3), dbSNP rs2465306996, ClinGen allele CA913090384.